The following is an entry in ClinVar:

NM_018129.4(PNPO):c.*958G>T

Gene: PNPO (pyridoxamine 5'-phosphate oxidase; plus strand). Cytogenetic location: 17q21.32.
Variant type: single nucleotide variant.
Coding change: c.*958G>T on transcript NM_018129.4 (MANE Select); 958 bases downstream of the stop codon, G replaced by T.
Molecular consequence: 3 prime UTR variant.
Genome position (GRCh38, 1-based): chr17:47,947,740, G>T. VCF-style: chr17-47947740-G-T. GRCh37 (hg19) VCF-style: chr17-46025106-G-T.
Identifiers: ClinVar variation 323929 (VCV000323929.5), dbSNP rs189494213, ClinGen allele CA10650427.

ClinVar aggregate classification (germline): Likely benign (1 of 4 stars; one submission).

Conditions:
Pyridoxal phosphate-responsive seizures (PNPOD). Also called: Pyridoxal 5'-Phosphate (PLP)-Dependent Epilepsy; EPILEPTIC ENCEPHALOPATHY, NEONATAL, PNPO-RELATED; Pyridoxamine 5-Prime-Phosphate Oxidase Deficiency; Pyridoxine-5'-phosphate oxidase deficiency; SEIZURES, PYRIDOXINE-RESISTANT, PLP-SENSITIVE. Identifiers: Orphanet 79096, MedGen C1864723, MONDO:0012407, OMIM 610090. Disease mechanism: loss of function.

Allele frequency attached by ClinVar (database versions not stated): 1000 Genomes Project 0.00120; 1000 Genomes Project 30x 0.00125; gnomAD 0.00329 and 0.00336; TOPMed 0.00348.

Submission:

Illumina Laboratory Services, Illumina
Classification: Likely benign for Pyridoxal phosphate-responsive seizures. Last evaluated: 2018-01-13. Review status: criteria provided, single submitter. Criteria: ICSL Variant Classification Criteria 13 December 2019. Collection method: clinical testing. Allele origin: germline.
Comment: This variant was observed in the ICSL laboratory as part of a predisposition screen in an ostensibly healthy population. It had not been previously curated by ICSL or reported in the Human Gene Mutation Database (HGMD: prior to June 1st, 2018), and was therefore a candidate for classification through an automated scoring system. Utilizing variant allele frequency, disease prevalence and penetrance estimates, and inheritance mode, an automated score was calculated to assess if this variant is too frequent to cause the disease. Based on the score and internal cut-off values, a variant classified as likely benign is not then subjected to further curation. The score for this variant resulted in a classification of likely benign for this disease.